The following is an entry in ClinVar:

NM_001371272.1(RAB11FIP5):c.2555G>A (p.Arg852Gln)

Gene: RAB11FIP5 (RAB11 family interacting protein 5; minus strand). Cytogenetic location: 2p13.2.
Variant type: single nucleotide variant.
Coding change: c.2555G>A on transcript NM_001371272.1 (MANE Select); coding-DNA position 2555, G replaced by A.
Protein change: p.Arg852Gln; replaces arginine 852 with glutamine.
Molecular consequence: missense variant. On other transcripts: intron variant (1).
Genome position (GRCh38, 1-based): chr2:73,080,677, C>T on the plus strand (G>A on the coding strand, the complement: RAB11FIP5 is on the minus strand). VCF-style: chr2-73080677-C-T. GRCh37 (hg19) VCF-style: chr2-73307805-C-T.
Other names: c.1569-4495G>A (NM_015470.3); short protein forms R852Q.
Identifiers: ClinVar variation 4084530 (VCV004084530.8).
Genomic context (GRCh38, chr2:73,080,677, plus strand): 5'-GGGCTCACAGTTTCTGGTGATTCAGGCTGCACCTGGGGAGCAGGCTCATCAGACTCTCCC[C>T]GAAAGACTAGTGAGGCTGTCTCAGCTGCAGGAGAAATGGTGACCACATCCCAAGGCCAGG-3'
Protein context (NP_001358201.1, residues 842-862): PAAETASLVF[Arg852Gln]GESDEPAPQV

ClinVar aggregate classification (germline): Likely benign (1 of 4 stars; one submission).

gnomAD v4.1: 924 of 1,232,444 alleles (0.075%); highest among the groups gnomAD compares: African/African-American, 1%; 4 homozygotes.

Submission:

CeGaT Center for Human Genetics Tuebingen
Classification: Likely benign. Last evaluated: 2025-06-01. Review status: criteria provided, single submitter. Criteria: CeGaT Center For Human Genetics Tuebingen Variant Classification Criteria Version 2. Collection method: clinical testing. Allele origin: germline. Affected: yes. Observed: 1 variant allele.
Comment: RAB11FIP5: BS1